The following is an entry in ClinVar:

NM_020366.4(RPGRIP1):c.1978G>T (p.Asp660Tyr)

Gene: RPGRIP1 (RPGR interacting protein 1; plus strand). Cytogenetic location: 14q11.2.
Variant type: single nucleotide variant.
Coding change: c.1978G>T on transcript NM_020366.4 (MANE Select); coding-DNA position 1978, G replaced by T.
Protein change: p.Asp660Tyr; replaces aspartic acid 660 with tyrosine.
Molecular consequence: missense variant. On other transcripts: intron variant (4).
Genome position (GRCh38, 1-based): chr14:21,324,833, G>T. VCF-style: chr14-21324833-G-T. GRCh37 (hg19) VCF-style: chr14-21792992-G-T.
Other names: c.904G>T, p.Asp302Tyr (NM_001377948.1); c.796+108G>T (NM_001377949.1); c.689-2790G>T (NM_001377523.1, NM_001377950.1); c.191-2790G>T (NM_001377951.1); short protein forms D660Y, D302Y.
Identifiers: ClinVar variation 100874 (VCV000100874.5), dbSNP rs483352751, ClinGen allele CA229175.

ClinVar aggregate classification (germline): Uncertain significance. Review status: criteria provided, single submitter (1 of 4 stars). 3 submissions from 2 submitters: Uncertain significance (1). 2 of the submissions do not count toward it. Last evaluated 2022-02-03.

Conditions:
Inborn genetic diseases. Identifiers: MedGen C0950123, MeSH D030342.

Submissions (3):

Ambry Genetics
Classification: Uncertain significance for Inborn genetic diseases. Last evaluated: 2022-02-03. Review status: criteria provided, single submitter. Criteria: Ambry Variant Classification Scheme 2023. Collection method: clinical testing. Allele origin: germline.

Richard Lifton Laboratory, Yale University School of Medicine
Classification: Uncertain significance. Review status: no assertion criteria provided. Collection method: not provided. Allele origin: somatic. Not counted in ClinVar's aggregate classification.
Comment: RPGRIP1:p.D660Y
ClinVar note: Converted during submission from unknown to Uncertain significance.

Richard Lifton Laboratory, Yale University School of Medicine
Classification: Uncertain significance. Review status: flagged submission. Collection method: not provided. Allele origin: somatic. Not counted in ClinVar's aggregate classification.
ClinVar note: Converted during submission from unknown to Uncertain significance.
ClinVar note: Reason: This record appears to be redundant with a more recent record from the same submitter.
ClinVar note: Notes: SCV000120099 appears to be redundant with SCV000155203.